The following is an entry in ClinVar:

NM_000521.4(HEXB):c.971dup (p.Thr325fs)

Gene: HEXB (hexosaminidase subunit beta; plus strand). Cytogenetic location: 5q13.3.
Variant type: Duplication.
Coding change: c.971dup on transcript NM_000521.4 (MANE Select); coding-DNA position 971, one base duplicated (C; older notation c.971dupC).
Protein change: p.Thr325fs; shifts the reading frame from threonine 325.
Molecular consequence: frameshift variant.
Genome position (GRCh38, 1-based): chr5:74,715,579, C duplicated; the last of 3 consecutive C bases (chr5:74,715,577-74,715,579); duplicating any one gives the same sequence. VCF-style (leftmost placement, unchanged base first): chr5-74715576-A-AC. GRCh37 (hg19) VCF-style: chr5-74011401-A-AC.
Other names: c.296dup, p.Thr100fs (NM_001292004.2); short protein forms T100fs, T325fs.
Identifiers: ClinVar variation 1726097 (VCV001726097.2), dbSNP rs2478757125, ClinGen allele CA2580073411.

ClinVar aggregate classification (germline): Likely pathogenic (1 of 4 stars; one submission).

Conditions:
Sandhoff disease. Also called: GM2-GANGLIOSIDOSIS, TYPE II; HEXOSAMINIDASES A AND B DEFICIENCY; Beta-hexosaminidase-beta-subunit deficiency; GM2 gangliosidosis, type 2; Total hexosaminidase deficiency; Sandhoff-Jatzkewitz-Pilz disease. Identifiers: Orphanet 796, MedGen C0036161, MONDO:0010006, OMIM 268800.

Submission:

Myriad Genetics, Inc.
Classification: Likely pathogenic for Sandhoff disease. Last evaluated: 2022-05-18. Review status: criteria provided, single submitter. Criteria: Myriad Women's Health Autosomal Recessive and X-Linked Classification Criteria (2021). Collection method: clinical testing. Allele origin: unknown.
Comment: NM_000521.3(HEXB):c.971dupC(T325Yfs*17) is expected to be pathogenic in the context of Sandhoff disease. This variant is predicted to lead to an abnormal or absent protein product due to the creation of a premature termination codon in HEXB, a gene where loss-of-function variants are known to be pathogenic. Please note: this variant was assessed in the context of healthy population screening.